The following is an entry in ClinVar:

ClinVar aggregate classification (germline): Uncertain significance. Review status: criteria provided, multiple submitters, no conflicts (2 of 4 stars). 4 submissions from 4 submitters: Uncertain significance (4). Last evaluated 2025-12-12.

Conditions:
Ehlers-Danlos syndrome, type 4 (EDSVASC). Also called: Ehlers-Danlos syndrome vascular type; Ehlers Danlos syndrome, ecchymotic type; Ehlers Danlos syndrome, arterial type; Ehlers Danlos syndrome, Sack-Barabas type; Ehlers-Danlos Syndrome Type IV. Identifiers: Orphanet 286, MedGen C0268338, MONDO:0017314, OMIM 130050.
Familial thoracic aortic aneurysm and aortic dissection (TAAD). Also called: Thoracic aortic aneurysms and dissections. Identifiers: Orphanet 91387, MedGen C4707243, MONDO:0019625.

Allele frequency attached by ClinVar (database versions not stated): TOPMed 0.00001.
gnomAD v4.1: 4 of 1,614,028 alleles (0.00025%); highest among the groups gnomAD compares: Non-Finnish European, 0.00034%; no homozygotes.

Submissions (4):

Ambry Genetics
Classification: Uncertain significance for Familial thoracic aortic aneurysm and aortic dissection. Last evaluated: 2025-12-12. Review status: criteria provided, single submitter. Criteria: Ambry Variant Classification Scheme 2023. Collection method: clinical testing. Allele origin: germline.
Comment: The p.L409V variant (also known as c.1225C>G), located in coding exon 18 of the COL3A1 gene, results from a C to G substitution at nucleotide position 1225. The leucine at codon 409 is replaced by valine, an amino acid with highly similar properties. This amino acid position is not well conserved in available vertebrate species. In addition, the in silico prediction for this alteration is inconclusive. Based on the available evidence, the clinical significance of this variant remains unclear.

All of Us Research Program, National Institutes of Health
Classification: Uncertain significance for Ehlers-Danlos syndrome, type 4. Last evaluated: 2024-05-30. Review status: criteria provided, single submitter. Criteria: ACMG Guidelines, 2015. Collection method: clinical testing. Allele origin: germline. Inheritance: Autosomal dominant inheritance. Observed: 2 variant alleles, 2 heterozygotes.
Comment: This missense variant replaces leucine with valine at codon 409 of the COL3A1 protein. Computational prediction tools and conservation analyses are inconclusive regarding the impact of this variant on the protein function. Computational splicing tools suggest that this variant may not impact RNA splicing. To our knowledge, functional assays have not been performed for this variant nor has this variant been reported in individuals affected with cardiovascular disorders in the literature. This variant has not been identified in the general population by the Genome Aggregation Database (gnomAD). Available evidence is insufficient to determine the role of this variant in disease conclusively. Therefore, this variant is classified as a Variant of Uncertain Significance.

This study involves interpretation of variants in research participants for the purpose of population health screening. Participant phenotype was not available at the time of variant classification. Additional details can be found in publication PMID: 35346344, PMCID: PMC8962531

Labcorp Genetics (formerly Invitae), Labcorp
Classification: Uncertain significance for Ehlers-Danlos syndrome, type 4. Last evaluated: 2024-04-27. Review status: criteria provided, single submitter. Criteria: Invitae Variant Classification Sherloc (09022015). Collection method: clinical testing. Allele origin: germline.
Comment: This sequence change replaces leucine, which is neutral and non-polar, with valine, which is neutral and non-polar, at codon 409 of the COL3A1 protein (p.Leu409Val). This variant is not present in population databases (gnomAD no frequency). This variant has not been reported in the literature in individuals affected with COL3A1-related conditions. ClinVar contains an entry for this variant (Variation ID: 926147). Advanced modeling of protein sequence and biophysical properties (such as structural, functional, and spatial information, amino acid conservation, physicochemical variation, residue mobility, and thermodynamic stability) performed at Invitae indicates that this missense variant is not expected to disrupt COL3A1 protein function with a negative predictive value of 95%. In summary, the available evidence is currently insufficient to determine the role of this variant in disease. Therefore, it has been classified as a Variant of Uncertain Significance.

Color Diagnostics, LLC DBA Color Health
Classification: Uncertain significance for Familial thoracic aortic aneurysm and aortic dissection. Last evaluated: 2024-03-07. Review status: criteria provided, single submitter. Criteria: ACMG Guidelines, 2015. Collection method: clinical testing. Allele origin: germline.
Comment: This missense variant replaces leucine with valine at codon 409 of the COL3A1 protein. Computational prediction suggests that this variant may not impact protein structure and function (internally defined REVEL score threshold <= 0.5, PMID: 27666373). To our knowledge, functional studies have not been reported for this variant. This variant has not been reported in individuals affected with COL3A1-related disorders in the literature. This variant has not been identified in the general population by the Genome Aggregation Database (gnomAD). The available evidence is insufficient to determine the role of this variant in disease conclusively. Therefore, this variant is classified as a Variant of Uncertain Significance.

NM_000090.4(COL3A1):c.1225C>G (p.Leu409Val)

Gene: COL3A1 (collagen type III alpha 1 chain; plus strand). Cytogenetic location: 2q32.2.
Variant type: single nucleotide variant.
Coding change: c.1225C>G on transcript NM_000090.4 (MANE Select); coding-DNA position 1225, C replaced by G.
Protein change: p.Leu409Val; replaces leucine 409 with valine.
Molecular consequence: missense variant.
Genome position (GRCh38, 1-based): chr2:188,994,264, C>G. VCF-style: chr2-188994264-C-G. GRCh37 (hg19) VCF-style: chr2-189858990-C-G.
Other names: short protein forms L409V.
Identifiers: ClinVar variation 926147 (VCV000926147.16), dbSNP rs1026603456, ClinGen allele CA62595242.